The following is an entry in ClinVar:

NM_033026.6(PCLO):c.801_804del (p.Asp268fs)

Gene: PCLO (piccolo presynaptic cytomatrix protein; minus strand). Cytogenetic location: 7q21.11.
Variant type: Microsatellite.
Coding change: c.801_804del on transcript NM_033026.6 (MANE Select); coding-DNA positions 801 to 804, 4 bases deleted (AGAC; older notation c.801_804delAGAC).
Protein change: p.Asp268fs; shifts the reading frame from aspartic acid 268.
Molecular consequence: frameshift variant.
Genome position (GRCh38, 1-based): chr7:83,155,837-83,155,840, GTCT deleted on the plus strand (AGAC on the coding strand, the reverse complement: PCLO is on the minus strand); deleting any 4 consecutive bases within chr7:83,155,837-83,155,845 gives the same sequence; the c. name uses the placement nearest the transcript's 3' end. VCF-style (leftmost placement, unchanged base first): chr7-83155836-GGTCT-G. GRCh37 (hg19) VCF-style: chr7-82785152-GGTCT-G.
Other names: c.801_804del, p.Asp268fs (NM_014510.3); short protein forms D268fs.
Identifiers: ClinVar variation 3656700 (VCV003656700.2).

ClinVar aggregate classification (germline): Pathogenic (1 of 4 stars; one submission).

Submission:

Labcorp Genetics (formerly Invitae), Labcorp
Classification: Pathogenic. Last evaluated: 2025-11-11. Review status: criteria provided, single submitter. Criteria: Invitae Variant Classification Sherloc (09022015). Collection method: clinical testing. Allele origin: germline.
Comment: This sequence change creates a premature translational stop signal (p.Asp268Metfs*20) in the PCLO gene. It is expected to result in an absent or disrupted protein product. Loss-of-function variants in PCLO are known to be pathogenic (PMID: 25832664, 30287594). This variant is not present in population databases (gnomAD no frequency). This variant has not been reported in the literature in individuals affected with PCLO-related conditions. For these reasons, this variant has been classified as Pathogenic.

Literature cited by the submitters: PubMed 25832664; PubMed 30287594.